The following is an entry in ClinVar:

NM_170606.3(KMT2C):c.9343A>C (p.Asn3115His)

Gene: KMT2C (lysine methyltransferase 2C; minus strand). Cytogenetic location: 7q36.1.
Variant type: single nucleotide variant.
Coding change: c.9343A>C on transcript NM_170606.3 (MANE Select); coding-DNA position 9343, A replaced by C.
Protein change: p.Asn3115His; replaces asparagine 3115 with histidine.
Molecular consequence: missense variant.
Genome position (GRCh38, 1-based): chr7:152,174,162, T>G on the plus strand (A>C on the coding strand, the complement: KMT2C is on the minus strand). VCF-style: chr7-152174162-T-G. GRCh37 (hg19) VCF-style: chr7-151871247-T-G.
Other names: short protein forms N3115H.
Identifiers: ClinVar variation 3365968 (VCV003365968.2).

ClinVar aggregate classification (germline): Uncertain significance (1 of 4 stars; one submission).

gnomAD v4.1: 1 of 1,610,290 alleles (0.000062%); highest among the groups gnomAD compares: Non-Finnish European, 0.000085%; no homozygotes.

Submission:

GeneDx
Classification: Uncertain significance. Last evaluated: 2026-03-16. Review status: criteria provided, single submitter. Criteria: GeneDx Variant Classification Process June 2021. Collection method: clinical testing. Allele origin: germline.
Comment: Not observed at significant frequency in large population cohorts (gnomAD); In silico analysis supports that this missense variant has a deleterious effect on protein structure/function; Has not been previously published as pathogenic or benign to our knowledge